The following is an entry in ClinVar:

ClinVar aggregate classification (germline): Uncertain significance (1 of 4 stars; one submission).

Conditions:
Fetal anomalies with a likely genetic cause.

Submission:

Genetics Laboratory, Great Ormond Street Hospital NHS Foundation Trust, North Thames Genomic Laboratory Hub
Classification: Uncertain significance for Fetal anomalies with a likely genetic cause. Last evaluated: 2026-07-29. Review status: criteria provided, single submitter. Criteria: ACGS Best Practice Guidelines for Variant Classification in Rare Disease 2024 v1.2. Collection method: clinical testing. Allele origin: germline. Affected: yes.
Comment: PM2_moderate, PVS1_moderate

NM_173348.2(FAM149B1):c.3G>T (p.Met1Ile)

Gene: FAM149B1 (family with sequence similarity 149 member B1; plus strand). Cytogenetic location: 10q22.2.
Variant type: single nucleotide variant.
Coding change: c.3G>T on transcript NM_173348.2 (MANE Select); coding-DNA position 3, G replaced by T.
Protein change: p.Met1Ile; changes the start codon (methionine 1).
Molecular consequence: missense variant, initiator codon variant.
Genome position (GRCh38, 1-based): chr10:73,168,342, G>T. VCF-style: chr10-73168342-G-T. GRCh37 (hg19) VCF-style: chr10-74928100-G-T.
Other names: short protein forms M1I.
Identifiers: ClinVar variation 4976885 (VCV004976885.1).